The following is an entry in ClinVar:

ClinVar aggregate classification (germline): Conflicting classifications of pathogenicity. Review status: criteria provided, conflicting classifications (1 of 4 stars). 6 submissions from 6 submitters: Uncertain significance (1); Benign (3); Likely benign (2). Last evaluated 2026-01-28.

Conditions:
Hereditary cancer-predisposing syndrome. Also called: Hereditary Cancer Syndrome; Tumor predisposition; Hereditary neoplastic syndrome; Neoplastic Syndromes, Hereditary. Identifiers: Orphanet 140162, MedGen C0027672, MeSH D009386, MONDO:0015356.
Multiple endocrine neoplasia, type 1 (MEN1). Also called: MEN I; WERMER SYNDROME; Endocrine adenomatosis multiple; MEN 1; MEA I. Identifiers: Orphanet 652, MedGen C0025267, MeSH D018761, MONDO:0007540, OMIM 131100.

Allele frequency attached by ClinVar (database versions not stated): TOPMed 0.00007; gnomAD 0.00008 and 0.00004; gnomAD exomes 0.00012 and 0.00018; ExAC 0.00017; 1000 Genomes Project 0.00040; 1000 Genomes Project 30x 0.00047.

Submissions (6):

Labcorp Genetics (formerly Invitae), Labcorp
Classification: Benign for Multiple endocrine neoplasia, type 1. Last evaluated: 2026-01-28. Review status: criteria provided, single submitter. Criteria: Invitae Variant Classification Sherloc (09022015). Collection method: clinical testing. Allele origin: germline.

Myriad Genetics, Inc.
Classification: Benign for Multiple endocrine neoplasia, type 1. Last evaluated: 2024-11-05. Review status: criteria provided, single submitter. Criteria: Myriad Autosomal Dominant, Autosomal Recessive and X-Linked Classification Criteria (2023). Collection method: clinical testing. Allele origin: unknown.
Comment: This variant is considered benign. This variant is a silent/synonymous amino acid change and it is not expected to impact splicing.

Color Diagnostics, LLC DBA Color Health
Classification: Likely benign for Multiple endocrine neoplasia, type 1. Last evaluated: 2022-11-06. Review status: criteria provided, single submitter. Criteria: ACMG Guidelines, 2015. Collection method: clinical testing. Allele origin: germline.

Blueprint Genetics
Classification: Likely benign. Last evaluated: 2022-09-02. Review status: criteria provided, single submitter. Criteria: ACMG Guidelines, 2015. Collection method: clinical testing. Allele origin: germline.

GeneKor MSA
Classification: Uncertain significance for Hereditary cancer-predisposing syndrome. Last evaluated: 2018-08-01. Review status: criteria provided, single submitter. Criteria: ACMG Guidelines, 2015. Collection method: clinical testing. Allele origin: germline. Affected: yes.

Ambry Genetics
Classification: Benign for Hereditary cancer-predisposing syndrome. Last evaluated: 2016-02-19. Review status: criteria provided, single submitter. Criteria: Ambry Variant Classification Scheme 2023. Collection method: clinical testing. Allele origin: germline.

NM_001370259.2(MEN1):c.1434C>T (p.Gly478=)

Gene: MEN1 (menin 1; minus strand). Cytogenetic location: 11q13.1.
Variant type: single nucleotide variant.
Coding change: c.1434C>T on transcript NM_001370259.2 (MANE Select); coding-DNA position 1434, C replaced by T.
Protein change: p.Gly478=; no amino-acid change (glycine 478 retained).
Molecular consequence: synonymous variant.
Genome position (GRCh38, 1-based): chr11:64,804,733, G>A on the plus strand (C>T on the coding strand, the complement: MEN1 is on the minus strand). VCF-style: chr11-64804733-G-A. GRCh37 (hg19) VCF-style: chr11-64572205-G-A.
Other names: c.1449C>T, p.Gly483= (NM_000244.4, NM_130800.3, NM_130801.3 and 3 more transcripts); c.1560C>T, p.Gly520= (NM_001370251.2); c.1434C>T, p.Gly478= (NM_001370260.2, NM_001370261.2, NM_130799.3); c.1329C>T, p.Gly443= (NM_001370262.2, NM_001370263.2).
Identifiers: ClinVar variation 241806 (VCV000241806.19), dbSNP rs200280309, ClinGen allele CA060658.
Genomic context (GRCh38, chr11:64,804,733, plus strand): 5'-TGGCTTCTTGGGCGGCGGGGGCTCCTCTGGCTTGGACTCCCGCCGTGGGCCCCGCCGCCG[G>A]CCTTCCCGGGCTTCCTCGCCCCACGGCTCCTCGGCCTCGGCCGCCTCGGCCTCTCGGCTC-3'
Protein context (NP_001357188.2, residues 468-488): EEPWGEEARE[Gly478=]RRRGPRRESK